The following is an entry in ClinVar:

ClinVar aggregate classification (germline): Likely pathogenic (1 of 4 stars; one submission).

Conditions:
Intellectual developmental disorder, X-linked, syndromic 35. Also called: Intellectual disability, X-linked, syndromic, 35. Identifiers: MedGen C4478383, MONDO:0030908, OMIM 300998.

Allele frequency attached by ClinVar (database versions not stated): TOPMed 0.00001.

Submission:

Foundation for Research in Genetics and Endocrinology, FRIGE's Institute of Human Genetics
Classification: Likely pathogenic for Intellectual developmental disorder, X-linked, syndromic 35. Last evaluated: 2020-01-15. Review status: criteria provided, single submitter. Criteria: ACMG Guidelines, 2015. Collection method: clinical testing. Allele origin: germline. Inheritance: X-linked recessive inheritance. Affected: no. Observed: 1 heterozygote.
Comment: A heterozygous missense variation in exon 7 of the RPL10 gene that results in the amino acid substitution of Trptophan for Arginine at codon 189 was detected. The observed variant c.565C>T (p.Arg189Trp) has not been reported in the 1000 genomes and ExAC databases. The in silico prediction of the variant is disease causing by MutationTaster2, SIFT and FATHMM. In summary, the variant meets our criteria to be classified as likely pathogenic.

NM_006013.5(RPL10):c.565C>T (p.Arg189Trp)

Gene: RPL10 (ribosomal protein L10; plus strand). Cytogenetic location: Xq28.
Variant type: single nucleotide variant.
Coding change: c.565C>T on transcript NM_006013.5 (MANE Select); coding-DNA position 565, C replaced by T.
Protein change: p.Arg189Trp; replaces arginine 189 with tryptophan.
Molecular consequence: missense variant. On other transcripts: synonymous variant (1), 3 prime UTR variant (1).
Genome position (GRCh38, 1-based): chrX:154,400,774, C>T. VCF-style: chrX-154400774-C-T. GRCh37 (hg19) VCF-style: chrX-153629115-C-T.
Other names: c.402C>T, p.Ser134= (NM_001256577.2); c.457C>T, p.Arg153Trp (NM_001256580.2); c.565C>T, p.Arg189Trp (NM_001303624.2, NM_001303625.1); c.*116C>T (NM_001303626.1); short protein forms R153W, R189W.
Identifiers: ClinVar variation 818225 (VCV000818225.3), dbSNP rs1019534975, ClinGen allele CA337297085.